The following is an entry in ClinVar:

ClinVar aggregate classification (germline): Likely benign (1 of 4 stars; one submission).

gnomAD v4.1: 1 of 1,613,028 alleles (0.000062%); highest among the groups gnomAD compares: Non-Finnish European, 0.000085%; no homozygotes.

Submission:

CeGaT Center for Human Genetics Tuebingen
Classification: Likely benign. Last evaluated: 2025-03-01. Review status: criteria provided, single submitter. Criteria: CeGaT Center For Human Genetics Tuebingen Variant Classification Criteria Version 2. Collection method: clinical testing. Allele origin: germline. Affected: yes. Observed: 1 variant allele.
Comment: SKIC3: BP4, BP7

NM_014639.4(SKIC3):c.2607G>A (p.Val869=)

Gene: SKIC3 (SKI3 subunit of superkiller complex; minus strand). Cytogenetic location: 5q15.
Variant type: single nucleotide variant.
Coding change: c.2607G>A on transcript NM_014639.4 (MANE Select); coding-DNA position 2607, G replaced by A.
Protein change: p.Val869=; no amino-acid change (valine 869 retained).
Molecular consequence: synonymous variant.
Genome position (GRCh38, 1-based): chr5:95,516,380, C>T on the plus strand (G>A on the coding strand, the complement: SKIC3 is on the minus strand). VCF-style: chr5-95516380-C-T. GRCh37 (hg19) VCF-style: chr5-94852084-C-T.
Identifiers: ClinVar variation 3778346 (VCV003778346.7).
Genomic context (GRCh38, chr5:95,516,380, plus strand): 5'-GTTTTAAATATGACAGACAGGCAACATATTTACCTCAATGTTTTCATTTGTGAGGTATAA[C>T]ACTCCCAAGTTGGTCCATGCAACAGCATTCTAAAAAACATAACATTTTTTTTCTTAAAAT-3'
Protein context (NP_055454.1, residues 859-879): INAVAWTNLG[Val869=]LYLTNENIEQ